The following is an entry in ClinVar:

NM_001458.5(FLNC):c.4185G>A (p.Met1395Ile)

Gene: FLNC (filamin C; plus strand). Cytogenetic location: 7q32.1.
Variant type: single nucleotide variant.
Coding change: c.4185G>A on transcript NM_001458.5 (MANE Select); coding-DNA position 4185, G replaced by A.
Protein change: p.Met1395Ile; replaces methionine 1395 with isoleucine.
Molecular consequence: missense variant.
Genome position (GRCh38, 1-based): chr7:128,846,802, G>A. VCF-style: chr7-128846802-G-A. GRCh37 (hg19) VCF-style: chr7-128486856-G-A.
Other names: c.4185G>A, p.Met1395Ile (NM_001127487.2); short protein forms M1395I.
Identifiers: ClinVar variation 1467069 (VCV001467069.6), dbSNP rs2128937035, ClinGen allele CA369200551.
Genomic context (GRCh38, chr7:128,846,802, plus strand): 5'-CAGGGGAGCGGGCACCGGGGGCCTTGGCCTAGCCATCGAGGGTCCCTCGGAAGCCAAGAT[G>A]TCCTGCAAGGACAACAAGGATGGTAGCTGCACCGTGGAGTACATCCCCTTCACTCCTGGA-3'
Protein context (NP_001449.3, residues 1385-1405): LAIEGPSEAK[Met1395Ile]SCKDNKDGSC

ClinVar aggregate classification (germline): Uncertain significance (1 of 4 stars; one submission).

Conditions:
Hypertrophic cardiomyopathy 26. Also called: Cardiomyopathy, familial hypertrophic, 26. Identifiers: Orphanet 75249, MedGen C4310749, MONDO:0014883, OMIM 617047.
Myofibrillar myopathy 5. Also called: FILAMINOPATHY, AUTOSOMAL DOMINANT; Filaminopathy (type). Identifiers: Orphanet 171445, MedGen C1836050, MONDO:0012289, OMIM 609524.
Distal myopathy with posterior leg and anterior hand involvement. Also called: WILLIAMS DISTAL MYOPATHY. Identifiers: Orphanet 63273, MedGen C3279722, MONDO:0013550, OMIM 614065.

Submission:

Labcorp Genetics (formerly Invitae), Labcorp
Classification: Uncertain significance for Distal myopathy with posterior leg and anterior hand involvement; Myofibrillar myopathy 5; Hypertrophic cardiomyopathy 26. Last evaluated: 2021-09-15. Review status: criteria provided, single submitter. Criteria: Invitae Variant Classification Sherloc (09022015). Collection method: clinical testing. Allele origin: germline.
Comment: In summary, the available evidence is currently insufficient to determine the role of this variant in disease. Therefore, it has been classified as a Variant of Uncertain Significance. Algorithms developed to predict the effect of missense changes on protein structure and function (SIFT, PolyPhen-2, Align-GVGD) all suggest that this variant is likely to be tolerated. This variant has not been reported in the literature in individuals affected with FLNC-related conditions. This variant is not present in population databases (ExAC no frequency). This sequence change replaces methionine with isoleucine at codon 1395 of the FLNC protein (p.Met1395Ile). The methionine residue is moderately conserved and there is a small physicochemical difference between methionine and isoleucine.